The following is an entry in ClinVar:

NM_006206.6(PDGFRA):c.1559-11_1559-10del

Gene: PDGFRA (platelet derived growth factor receptor alpha; plus strand). Cytogenetic location: 4q12.
Variant type: Deletion.
Coding change: c.1559-11_1559-10del on transcript NM_006206.6 (MANE Select); 11 bases into the intron before coding-DNA position 1559 through 10 bases into the intron before coding-DNA position 1559, 2 bases deleted (TT; older notation c.1559-11_1559-10delTT).
Molecular consequence: intron variant.
Genome position (GRCh38, 1-based): chr4:54,274,520-54,274,521, TT deleted. VCF-style (leftmost placement, unchanged base first): chr4-54274519-CTT-C. GRCh37 (hg19) VCF-style: chr4-55140686-CTT-C.
Other names: c.1634-11_1634-10del (NM_001347828.2); c.1559-11_1559-10del (NM_001347827.2, NM_001347829.2, NM_006206.4); c.1598-11_1598-10del (NM_001347830.2).
Identifiers: ClinVar variation 414482 (VCV000414482.13), dbSNP rs781469947, ClinGen allele CA2922613.
Genomic context (GRCh38, chr4:54,274,519, plus strand): 5'-CACACTACCTTGCTGCCCCTGTGCATGTCTGCCAGGAAACTTTTCATTGTGCCTCTCTCT[CTT>C]GTCACGTAGCCCTGCGTTCTGAACTCACGGTGGCTGCTGCAGTCCTGGTGCTGTTGGTGA-3'

ClinVar aggregate classification (germline): Conflicting classifications of pathogenicity. Review status: criteria provided, conflicting classifications (1 of 4 stars). 2 submissions from 2 submitters: Uncertain significance (1); Likely benign (1). Last evaluated 2026-02-03.

Conditions:
Gastrointestinal stromal tumor. Also called: Gastrointestinal stroma tumor; Gastrointestinal stromal tumor, somatic. Identifiers: Orphanet 44890, MedGen C0238198, MeSH D046152, MONDO:0011719, OMIM 606764, HP:0100723.

Allele frequency attached by ClinVar (database versions not stated): gnomAD exomes 0.00004 and 0.00007; ExAC 0.00005; gnomAD 0.00005 and 0.00006; TOPMed 0.00008.

Submissions (2):

Labcorp Genetics (formerly Invitae), Labcorp
Classification: Likely benign for Gastrointestinal stromal tumor. Last evaluated: 2026-02-03. Review status: criteria provided, single submitter. Criteria: Invitae Variant Classification Sherloc (09022015). Collection method: clinical testing. Allele origin: germline.

GeneDx
Classification: Uncertain significance. Last evaluated: 2023-05-19. Review status: criteria provided, single submitter. Criteria: GeneDx Variant Classification Process June 2021. Collection method: clinical testing. Allele origin: germline. Affected: yes.
Comment: Has not been previously published as pathogenic or benign to our knowledge; In silico analysis is inconclusive as to whether the variant alters gene splicing. In the absence of RNA/functional studies, the actual effect of this sequence change is unknown.